The following is an entry in ClinVar:

ClinVar aggregate classification (germline): Uncertain significance (1 of 4 stars; one submission).

Submission:

GeneDx
Classification: Uncertain significance. Last evaluated: 2024-08-18. Review status: criteria provided, single submitter. Criteria: GeneDx Variant Classification Process June 2021. Collection method: clinical testing. Allele origin: germline. Affected: yes.
Comment: Has not been previously published as pathogenic or benign to our knowledge; Not observed at significant frequency in large population cohorts (gnomAD); Does not affect a cysteine or calcium-binding residue within an EGF-like domain or a TGF-binding protein domain of the FBN1 gene; cysteine substitutions in the EGF-like domains represent the majority of pathogenic missense changes associated with FBN1-related disorders (PMID: 12938084); In silico analysis indicates that this missense variant does not alter protein structure/function; This variant is associated with the following publications: (PMID: 12938084)

NM_000138.5(FBN1):c.4945G>A (p.Val1649Met)

Gene: FBN1 (fibrillin 1; minus strand). Cytogenetic location: 15q21.1.
Variant type: single nucleotide variant.
Coding change: c.4945G>A on transcript NM_000138.5 (MANE Select); coding-DNA position 4945, G replaced by A.
Protein change: p.Val1649Met; replaces valine 1649 with methionine.
Molecular consequence: missense variant.
Genome position (GRCh38, 1-based): chr15:48,464,019, C>T on the plus strand (G>A on the coding strand, the complement: FBN1 is on the minus strand). VCF-style: chr15-48464019-C-T. GRCh37 (hg19) VCF-style: chr15-48756216-C-T.
Other names: c.4945G>A, p.Val1649Met (NM_001406716.1); short protein forms V1649M.
Identifiers: ClinVar variation 3764244 (VCV003764244.1).